The following is an entry in ClinVar:

ClinVar aggregate classification (germline): Conflicting classifications of pathogenicity. Review status: criteria provided, conflicting classifications (1 of 4 stars). 3 submissions from 3 submitters: Uncertain significance (1); Likely benign (2). Last evaluated 2025-12-30.

Conditions:
Spastic paraplegia. Identifiers: MedGen C0037772, HP:0001258.

Allele frequency attached by ClinVar (database versions not stated): ExAC 0.00003; gnomAD exomes 0.00003; gnomAD 0.00004; TOPMed 0.00004.

Submissions (3):

Labcorp Genetics (formerly Invitae), Labcorp
Classification: Likely benign for Spastic paraplegia. Last evaluated: 2025-12-30. Review status: criteria provided, single submitter. Criteria: Invitae Variant Classification Sherloc (09022015). Collection method: clinical testing. Allele origin: germline.

Women's Health and Genetics/Laboratory Corporation of America, LabCorp
Classification: Likely benign. Last evaluated: 2024-01-09. Review status: criteria provided, single submitter. Criteria: LabCorp Variant Classification Summary - May 2015. Collection method: clinical testing. Allele origin: germline.
Comment: Variant summary: L1CAM c.367G>A (p.Ala123Thr) results in a non-conservative amino acid change located in the Immunoglobulin subtype domain (IPR003599) of the encoded protein sequence. Four of five in-silico tools predict a damaging effect of the variant on protein function. The variant allele was found at a frequency of 3.2e-05 in 1206577 control chromosomes, including 14 hemizygotes. This frequency is not significantly higher than estimated for a pathogenic variant in L1CAM causing L1 Syndrome (3.2e-05 vs 0.0065), allowing no conclusion about variant significance. To our knowledge, no occurrence of c.367G>A in individuals affected with L1 Syndrome and no experimental evidence demonstrating its impact on protein function have been reported. ClinVar contains an entry for this variant (Variation ID: 699379). Based on the evidence outlined above, the variant was classified as as likely benign.

Athena Diagnostics
Classification: Uncertain significance. Last evaluated: 2020-10-15. Review status: criteria provided, single submitter. Criteria: Athena Diagnostics criteria. Collection method: clinical testing. Allele origin: unknown.

NM_001278116.2(L1CAM):c.367G>A (p.Ala123Thr)

Gene: L1CAM (L1 cell adhesion molecule; minus strand). Cytogenetic location: Xq28.
Variant type: single nucleotide variant.
Coding change: c.367G>A on transcript NM_001278116.2 (MANE Select); coding-DNA position 367, G replaced by A.
Protein change: p.Ala123Thr; replaces alanine 123 with threonine.
Molecular consequence: missense variant.
Genome position (GRCh38, 1-based): chrX:153,872,185, C>T on the plus strand (G>A on the coding strand, the complement: L1CAM is on the minus strand). VCF-style: chrX-153872185-C-T. GRCh37 (hg19) VCF-style: chrX-153137640-C-T.
Other names: c.367G>A, p.Ala123Thr (NM_000425.5, NM_024003.3); c.352G>A, p.Ala118Thr (NM_001143963.2); short protein forms A123T, A118T.
Identifiers: ClinVar variation 699379 (VCV000699379.12), dbSNP rs782752037, ClinGen allele CA10554610.